The following is an entry in ClinVar:

ClinVar aggregate classification (germline): Uncertain significance (1 of 4 stars; one submission).

Conditions:
Long QT syndrome (LQTS). Identifiers: MedGen C0023976, MeSH D008133, MONDO:0002442. Disease mechanism: loss of function. Inheritance: Various modes of inheritance.

Allele frequency attached by ClinVar (database versions not stated): gnomAD exomes below 0.00001; ExAC 0.00001.
gnomAD v4.1: 1 of 1,610,914 alleles (0.000062%); highest among the groups gnomAD compares: Non-Finnish European, 0.000085%; no homozygotes.

Submission:

Labcorp Genetics (formerly Invitae), Labcorp
Classification: Uncertain significance for Long QT syndrome. Last evaluated: 2017-09-19. Review status: criteria provided, single submitter. Criteria: Invitae Variant Classification Sherloc (09022015). Collection method: clinical testing. Allele origin: germline.
Comment: This sequence change replaces proline with alanine at codon 1076 of the AKAP9 protein (p.Pro1076Ala). The proline residue is moderately conserved and there is a small physicochemical difference between proline and alanine. This variant is present in population databases (rs774196711, ExAC 0.002%). This variant has not been reported in the literature in individuals with AKAP9-related disease. Algorithms developed to predict the effect of missense changes on protein structure and function do not agree on the potential impact of this missense change (SIFT: "Tolerated"; PolyPhen-2: "Probably Damaging"; Align-GVGD: "Class C0"). Algorithms developed to predict the effect of sequence changes on RNA splicing suggest that this variant may create or strengthen a splice site, but this prediction has not been confirmed by published transcriptional studies. In summary, the available evidence is currently insufficient to determine the role of this variant in disease. Therefore, it has been classified as a Variant of Uncertain Significance.

NM_005751.5(AKAP9):c.3226C>G (p.Pro1076Ala)

Gene: AKAP9 (A-kinase anchoring protein 9; plus strand). Cytogenetic location: 7q21.2.
Variant type: single nucleotide variant.
Coding change: c.3226C>G on transcript NM_005751.5 (MANE Select); coding-DNA position 3226, C replaced by G.
Protein change: p.Pro1076Ala; replaces proline 1076 with alanine.
Molecular consequence: missense variant.
Genome position (GRCh38, 1-based): chr7:92,003,143, C>G. VCF-style: chr7-92003143-C-G. GRCh37 (hg19) VCF-style: chr7-91632457-C-G.
Other names: c.3226C>G, p.Pro1076Ala (NM_147185.3); short protein forms P1076A.
Identifiers: ClinVar variation 527025 (VCV000527025.1), dbSNP rs774196711, ClinGen allele CA4336255.